The following is an entry in ClinVar:

ClinVar aggregate classification (germline): Uncertain significance. Review status: criteria provided, multiple submitters, no conflicts (2 of 4 stars). 2 submissions from 2 submitters: Uncertain significance (2). Last evaluated 2025-03-21.

Conditions:
Polyhydramnios, megalencephaly, and symptomatic epilepsy (PMSE). Also called: PMSE SYNDROME. Identifiers: Orphanet 500533, MedGen C1970203, MONDO:0012611, OMIM 611087.
Inborn genetic diseases. Identifiers: MedGen C0950123, MeSH D030342.

Allele frequency attached by ClinVar (database versions not stated): gnomAD exomes below 0.00001; ESP Exome Variant Server 0.00008.

Submissions (2):

Ambry Genetics
Classification: Uncertain significance for Inborn genetic diseases. Last evaluated: 2025-03-21. Review status: criteria provided, single submitter. Criteria: Ambry Variant Classification Scheme 2023. Collection method: clinical testing. Allele origin: germline.

Labcorp Genetics (formerly Invitae), Labcorp
Classification: Uncertain significance for Polyhydramnios, megalencephaly, and symptomatic epilepsy. Last evaluated: 2022-09-13. Review status: criteria provided, single submitter. Criteria: Invitae Variant Classification Sherloc (09022015). Collection method: clinical testing. Allele origin: germline.
Comment: In summary, the available evidence is currently insufficient to determine the role of this variant in disease. Therefore, it has been classified as a Variant of Uncertain Significance. Algorithms developed to predict the effect of missense changes on protein structure and function are either unavailable or do not agree on the potential impact of this missense change (SIFT: "Tolerated"; PolyPhen-2: "Probably Damaging"; Align-GVGD: "Class C0"). ClinVar contains an entry for this variant (Variation ID: 1352977). This variant has not been reported in the literature in individuals affected with STRADA-related conditions. This variant is not present in population databases (gnomAD no frequency). This sequence change replaces arginine, which is basic and polar, with cysteine, which is neutral and slightly polar, at codon 215 of the STRADA protein (p.Arg215Cys).

NM_001003787.4(STRADA):c.643C>T (p.Arg215Cys)

Gene: STRADA (STE20 related adaptor alpha; minus strand). Cytogenetic location: 17q23.3.
Variant type: single nucleotide variant.
Coding change: c.643C>T on transcript NM_001003787.4 (MANE Select); coding-DNA position 643, C replaced by T.
Protein change: p.Arg215Cys; replaces arginine 215 with cysteine.
Molecular consequence: missense variant.
Genome position (GRCh38, 1-based): chr17:63,707,357, G>A on the plus strand (C>T on the coding strand, the complement: STRADA is on the minus strand). VCF-style: chr17-63707357-G-A. GRCh37 (hg19) VCF-style: chr17-61784717-G-A.
Other names: c.532C>T, p.Arg178Cys (NM_001003786.3, NM_001363789.1, NM_153335.6); c.469C>T, p.Arg157Cys (NM_001003788.3, NM_001363790.1, NM_001363791.1); c.556C>T, p.Arg186Cys (NM_001165969.2, NM_001363787.1); c.511C>T, p.Arg171Cys (NM_001165970.2); c.619C>T, p.Arg207Cys (NM_001363786.1); c.643C>T, p.Arg215Cys (NM_001363788.1); c.643C>T (NM_001003787.2); short protein forms R186C, R171C, R178C, R207C, R157C, R215C.
Identifiers: ClinVar variation 1352977 (VCV001352977.7), dbSNP rs144283428, ClinGen allele CA292943480.